The following is an entry in ClinVar:

NM_001130965.3(SUN1):c.114G>A (p.Thr38=)

Gene: SUN1 (Sad1 and UNC84 domain containing 1; plus strand). Cytogenetic location: 7p22.3.
Variant type: single nucleotide variant.
Coding change: c.114G>A on transcript NM_001130965.3 (MANE Select); coding-DNA position 114, G replaced by A.
Protein change: p.Thr38=; no amino-acid change (threonine 38 retained).
Molecular consequence: synonymous variant. On other transcripts: 5 prime UTR variant (29), non-coding transcript variant (3), intron variant (2).
Genome position (GRCh38, 1-based): chr7:838,834, G>A. VCF-style: chr7-838834-G-A. GRCh37 (hg19) VCF-style: chr7-878471-G-A.
Other names: p.Thr38=; c.177G>A, p.Thr59= (NM_001171945.2); c.114G>A, p.Thr38= (NM_001171946.2, NM_001367633.1, NM_001367634.1 and 34 more transcripts); c.-344G>A (NM_001367635.1); c.-37G>A (NM_001367636.1, NM_001367637.1, NM_001367644.1 and 24 more transcripts); c.333G>A, p.Thr111= (NM_001367651.1); c.-648G>A (NM_001367658.1); c.78-3112G>A (NM_001367695.1); and 1 more.
Identifiers: ClinVar variation 461639 (VCV000461639.17), dbSNP rs76073621, ClinGen allele CA4111390.
Genomic context (GRCh38, chr7:838,834, plus strand): 5'-CTCTGATGAGCTTTTTCCTTCTAGTTCCAGCTATTCTTCAGATGCTCTGGATTTTGAGAC[G>A]GAGCACAAATTGGACCCTGTATTTGATTCTCCACGGATGTCCCGCCGTAGTTTGCGCCTG-3'
Protein context (NP_001124437.1, residues 28-48): SYSSDALDFE[Thr38=]EHKLDPVFDS

ClinVar aggregate classification (germline): Benign. Review status: criteria provided, multiple submitters, no conflicts (2 of 4 stars). 4 submissions from 4 submitters: Benign (3). 1 of the submissions does not count toward it. Last evaluated 2026-01-30.

Conditions:
SUN1-related disorder. Also called: SUN1-related condition.
Emery-Dreifuss muscular dystrophy (EDMD). Also called: Scapuloperoneal syndrome, X-linked (formerly); Humeroperoneal neuromuscular disease, (formerly). Identifiers: Orphanet 261, MedGen C0410189, MONDO:0016830.

Allele frequency attached by ClinVar (database versions not stated): ESP Exome Variant Server 0.00090; gnomAD exomes 0.00588 and 0.01466; gnomAD 0.00603 and 0.00768; TOPMed 0.00678; 1000 Genomes Project 30x 0.02467; ExAC 0.02712; 1000 Genomes Project 0.02756.
gnomAD v4.1: 9,613 of 1,566,222 alleles (0.61%); highest among the groups gnomAD compares: East Asian, 15%; 543 homozygotes.

Submissions (4):

Labcorp Genetics (formerly Invitae), Labcorp
Classification: Benign for Emery-Dreifuss muscular dystrophy. Last evaluated: 2026-01-30. Review status: criteria provided, single submitter. Criteria: Invitae Variant Classification Sherloc (09022015). Collection method: clinical testing. Allele origin: germline.

Mayo Clinic Laboratories, Mayo Clinic
Classification: Benign. Last evaluated: 2022-03-23. Review status: criteria provided, single submitter. Criteria: ACMG Guidelines, 2015. Collection method: clinical testing. Allele origin: germline. Observed: 6 variant alleles.

GeneDx
Classification: Benign. Last evaluated: 2021-05-05. Review status: criteria provided, single submitter. Criteria: GeneDx Variant Classification Process June 2021. Collection method: clinical testing. Allele origin: germline. Affected: yes.

PreventionGenetics, part of Exact Sciences
Classification: Benign for SUN1-related condition. Last evaluated: 2019-02-28. Review status: no assertion criteria provided. Collection method: clinical testing. Allele origin: germline. Not counted in ClinVar's aggregate classification.
Comment: This variant is classified as benign based on ACMG/AMP sequence variant interpretation guidelines (Richards et al. 2015 PMID: 25741868, with internal and published modifications).